The following is an entry in ClinVar:

NM_004985.5(KRAS):c.-178C>A

Genes: KRAS (KRAS proto-oncogene, GTPase; minus strand), LOC130007561 (ATAC-STARR-seq lymphoblastoid silent region 4294; plus strand). Cytogenetic location: 12p12.1.
Variant type: single nucleotide variant.
Coding change: c.-178C>A on transcript NM_004985.5 (MANE Select); 178 bases upstream of the start codon, C replaced by A.
Molecular consequence: 5 prime UTR variant.
Genome position (GRCh38, 1-based): chr12:25,250,917, G>T on the plus strand (C>A on the coding strand, the complement: KRAS is on the minus strand). VCF-style: chr12-25250917-G-T. GRCh37 (hg19) VCF-style: chr12-25403851-G-T.
Other names: c.-165C>A (NM_001369786.1, NM_001369787.1); c.-178C>A (NM_033360.4).
Identifiers: ClinVar variation 177932 (VCV000177932.4), dbSNP rs190218019, ClinGen allele CA181027.

ClinVar aggregate classification (germline): Uncertain significance (1 of 4 stars; one submission).

Allele frequency attached by ClinVar (database versions not stated): 1000 Genomes Project 0.00200; gnomAD 0.00274 and 0.00296; 1000 Genomes Project 30x 0.00297.
gnomAD v4.1: 451 of 250,866 alleles (0.18%); highest among the groups gnomAD compares: African/African-American, 0.92%; 1 homozygote.

Submission:

Laboratory for Molecular Medicine, Mass General Brigham Personalized Medicine
Classification: Uncertain significance. Last evaluated: 2010-08-24. Review status: criteria provided, single submitter. Criteria: LMM Criteria. Collection method: clinical testing. Allele origin: germline. Observed: 1 variant allele.
Comment: Variant classified as Uncertain Significance - Favor Benign.